The following is an entry in ClinVar:

NM_005413.4(SIX3):c.127G>T (p.Gly43Cys)

Gene: SIX3 (SIX homeobox 3; plus strand). Cytogenetic location: 2p21.
Variant type: single nucleotide variant.
Coding change: c.127G>T on transcript NM_005413.4 (MANE Select); coding-DNA position 127, G replaced by T.
Protein change: p.Gly43Cys; replaces glycine 43 with cysteine.
Molecular consequence: missense variant.
Genome position (GRCh38, 1-based): chr2:44,942,231, G>T. VCF-style: chr2-44942231-G-T. GRCh37 (hg19) VCF-style: chr2-45169370-G-T.
Other names: c.127G>T (NM_005413.3); short protein forms G43C.
Identifiers: ClinVar variation 498633 (VCV000498633.9), dbSNP rs1436891421, ClinGen allele CA346798933.

ClinVar aggregate classification (germline): Uncertain significance. Review status: criteria provided, multiple submitters, no conflicts (2 of 4 stars). 4 submissions from 4 submitters: Uncertain significance (4). Last evaluated 2025-10-24.

Conditions:
Holoprosencephaly 2 (HPE2). Identifiers: Orphanet 2162, MedGen C1834877, MONDO:0007999, OMIM 157170.
Schizencephaly. Identifiers: Orphanet 799, MedGen C0266484, MONDO:0010011, OMIM 269160, HP:0010636.
Inborn genetic diseases. Identifiers: MedGen C0950123, MeSH D030342.

Allele frequency attached by ClinVar (database versions not stated): gnomAD 0.00004.

Submissions (4):

Ambry Genetics
Classification: Uncertain significance for Inborn genetic diseases. Last evaluated: 2025-10-24. Review status: criteria provided, single submitter. Criteria: Ambry Variant Classification Scheme 2023. Collection method: clinical testing. Allele origin: germline.

Labcorp Genetics (formerly Invitae), Labcorp
Classification: Uncertain significance for Holoprosencephaly 2. Last evaluated: 2024-12-16. Review status: criteria provided, single submitter. Criteria: Invitae Variant Classification Sherloc (09022015). Collection method: clinical testing. Allele origin: germline.
Comment: This sequence change replaces glycine, which is neutral and non-polar, with cysteine, which is neutral and slightly polar, at codon 43 of the SIX3 protein (p.Gly43Cys). This variant is present in population databases (no rsID available, gnomAD 0.007%). This variant has not been reported in the literature in individuals affected with SIX3-related conditions. ClinVar contains an entry for this variant (Variation ID: 498633). Invitae Evidence Modeling of protein sequence and biophysical properties (such as structural, functional, and spatial information, amino acid conservation, physicochemical variation, residue mobility, and thermodynamic stability) indicates that this missense variant is not expected to disrupt SIX3 protein function with a negative predictive value of 80%. In summary, the available evidence is currently insufficient to determine the role of this variant in disease. Therefore, it has been classified as a Variant of Uncertain Significance.

Fulgent Genetics
Classification: Uncertain significance for Holoprosencephaly 2; Schizencephaly. Last evaluated: 2018-10-31. Review status: criteria provided, single submitter. Criteria: ACMG Guidelines, 2015. Collection method: clinical testing. Allele origin: unknown.

Eurofins Ntd Llc (ga)
Classification: Uncertain significance. Last evaluated: 2016-12-22. Review status: criteria provided, single submitter. Criteria: EGL Classification Definitions 2015. Collection method: clinical testing. Allele origin: germline. Observed: 2 variant alleles, 2 heterozygotes.